The following is an entry in ClinVar:

ClinVar aggregate classification (germline): Uncertain significance (1 of 4 stars; one submission).

Conditions:
Cardiovascular phenotype. Identifiers: MedGen CN230736.

Submission:

Ambry Genetics
Classification: Uncertain significance for Cardiovascular phenotype. Last evaluated: 2023-10-27. Review status: criteria provided, single submitter. Criteria: Ambry Variant Classification Scheme 2023. Collection method: clinical testing. Allele origin: germline.
Comment: The p.V3654A variant (also known as c.10961T>C), located in coding exon 45 of the AKAP9 gene, results from a T to C substitution at nucleotide position 10961. The valine at codon 3654 is replaced by alanine, an amino acid with similar properties. This amino acid position is conserved. In addition, this alteration is predicted to be tolerated by in silico analysis. Since supporting evidence is limited at this time, the clinical significance of this alteration remains unclear.

NM_005751.5(AKAP9):c.10961T>C (p.Val3654Ala)

Gene: AKAP9 (A-kinase anchoring protein 9; plus strand). Cytogenetic location: 7q21.2.
Variant type: single nucleotide variant.
Coding change: c.10961T>C on transcript NM_005751.5 (MANE Select); coding-DNA position 10961, T replaced by C.
Protein change: p.Val3654Ala; replaces valine 3654 with alanine.
Molecular consequence: missense variant.
Genome position (GRCh38, 1-based): chr7:92,100,920, T>C. VCF-style: chr7-92100920-T-C. GRCh37 (hg19) VCF-style: chr7-91730234-T-C.
Other names: c.5606T>C, p.Val1869Ala (NM_001379277.1); c.10937T>C, p.Val3646Ala (NM_147185.3); short protein forms V1869A, V3646A, V3654A.
Identifiers: ClinVar variation 3225006 (VCV003225006.1), dbSNP rs2535311906, ClinGen allele CA368159770.